The following is an entry in ClinVar:

ClinVar aggregate classification (germline): Pathogenic/Likely pathogenic. Review status: criteria provided, multiple submitters, no conflicts (2 of 4 stars). 13 submissions from 13 submitters: Pathogenic (8); Likely pathogenic (1). 4 of the submissions do not count toward it. Last evaluated 2025-08-10.

Conditions:
FAM111A-related disorders.
Osteocraniostenosis (GCLEB). Also called: Osteocraniostenosis (Gracile Bone Dysplasia); HABRODYSPLASIA; OSTEOCRANIOSPLENIC SYNDROME. Identifiers: Orphanet 2763, MedGen C1865639, MONDO:0011215, OMIM 602361.
Autosomal dominant Kenny-Caffey syndrome. Also called: Kenny-Caffey syndrome type 2. Identifiers: Orphanet 2333, Orphanet 93325, MedGen C4316787, MONDO:0007478, OMIM 127000.
Inborn genetic diseases. Identifiers: MedGen C0950123, MeSH D030342.

Submissions (13):

Neonatal Department of Longyan Division, Tianjin Children's Hospital, Tianjin University Children's Hospital
Classification: Pathogenic for Autosomal dominant Kenny-Caffey syndrome. Last evaluated: 2025-08-10. Review status: criteria provided, single submitter. Criteria: ACMG Guidelines, 2015. Collection method: clinical testing. Allele origin: de novo. Inheritance: Autosomal dominant inheritance. Affected: yes. Observed: 1 heterozygote.
Comment: Same amino acid change previously reported in affected individuals (PS1), observed in multiple affected cases with significant enrichment over controls (PS4), confirmed de novo with parental testing (PS2_Moderate), and absent from gnomAD (PM2_Supporting). Classified as Pathogenic according to ACMG/AMP guidelines (PS2_Moderate + PS4 + PM2_Supporting + PS1).

Blueprint Genetics
Classification: Pathogenic for FAM111A-related disorders. Last evaluated: 2024-10-21. Review status: criteria provided, single submitter. Criteria: ACMG Guidelines, 2015. Collection method: clinical testing. Allele origin: germline. Affected: yes. Observed: 2 variant alleles.

Labcorp Genetics (formerly Invitae), Labcorp
Classification: Pathogenic. Last evaluated: 2024-08-20. Review status: criteria provided, single submitter. Criteria: Invitae Variant Classification Sherloc (09022015). Collection method: clinical testing. Allele origin: germline.
Comment: This sequence change replaces arginine, which is basic and polar, with histidine, which is basic and polar, at codon 569 of the FAM111A protein (p.Arg569His). This variant is not present in population databases (gnomAD no frequency). This missense change has been observed in individual(s) with Kenny-Caffey syndrome (PMID: 23684011, 23996431, 24635597, 24970356). In at least one individual the variant was observed to be de novo. ClinVar contains an entry for this variant (Variation ID: 56810). Invitae Evidence Modeling of protein sequence and biophysical properties (such as structural, functional, and spatial information, amino acid conservation, physicochemical variation, residue mobility, and thermodynamic stability) indicates that this missense variant is not expected to disrupt FAM111A protein function with a negative predictive value of 80%. For these reasons, this variant has been classified as Pathogenic.

Victorian Clinical Genetics Services, Murdoch Childrens Research Institute
Classification: Pathogenic for Autosomal dominant Kenny-Caffey syndrome. Last evaluated: 2023-07-16. Review status: criteria provided, single submitter. Criteria: ACMG Guidelines, 2015. Collection method: clinical testing. Allele origin: germline. Inheritance: Autosomal dominant inheritance. Affected: yes.
Comment: Based on the classification scheme VCGS_Germline_v1.3.4, this variant is classified as Pathogenic. Following criteria are met: 0105 - The mechanism of disease for this gene is not clearly established. However, loss of function is an unlikely mechanism. (I) 0107 - This gene is associated with autosomal dominant disease. (I) 0200 - Variant is predicted to result in a missense amino acid change from arginine to histidine. (I) 0251 - This variant is heterozygous. (I) 0301 - Variant is absent from gnomAD (both v2 and v3). (SP) 0309 - An alternative amino acid change at the same position has been observed in gnomAD (v2) (16 heterozygotes, 0 homozygotes). (I) 0503 - Missense variant consistently predicted to be tolerated by multiple in silico tools or not conserved in placental mammals with a minor amino acid change. (SB) 0604 - Variant is not located in an established domain, motif, hotspot or informative constraint region. (I) 0801 - This variant has strong previous evidence of pathogenicity in unrelated individuals. This variant has been reported as likely pathogenic and pathogenic, and observed multiple times as de novo in individuals with Kenny-Caffey syndrome or nanophthalmos (ClinVar, DECIPHER, PMID: 32996714; PMID: 23684011). (SP) Legend: (SP) - Supporting pathogenic, (I) - Information, (SB) - Supporting benign

GeneDx
Classification: Pathogenic. Last evaluated: 2022-09-09. Review status: criteria provided, single submitter. Criteria: GeneDx Variant Classification Process June 2021. Collection method: clinical testing. Allele origin: germline. Affected: yes.
Comment: Not observed in large population cohorts (gnomAD); In silico analysis supports that this missense variant does not alter protein structure/function; This variant is associated with the following publications: (PMID: 28138333, 32765931, 24970356, 23996431, 24635597, 32996714, 33010201, 33258288, 23684011)

3billion
Classification: Pathogenic for Autosomal dominant Kenny-Caffey syndrome. Last evaluated: 2022-09-01. Review status: criteria provided, single submitter. Criteria: ACMG Guidelines, 2015. Collection method: clinical testing. Allele origin: germline. Affected: yes. Observed: 1 heterozygote.
Comment: The variant is not observed in the gnomAD v2.1.1 dataset. Missense changes are a common disease-causing mechanism. In silico tool predictions suggest damaging effect of the variant on gene or gene product (3Cnet: 0.97). Same nucleotide change resulting in same amino acid change has been previously reported as pathogenic/likely pathogenic with strong evidence (ClinVar ID: VCV000056810). Therefore, this variant is classified as pathogenic according to the recommendation of ACMG/AMP guideline.

Mendelics
Classification: Pathogenic for Osteocraniostenosis. Last evaluated: 2019-05-28. Review status: criteria provided, single submitter. Criteria: Mendelics Assertion Criteria 2017. Collection method: clinical testing. Allele origin: unknown.

Eurofins Ntd Llc (ga)
Classification: Pathogenic. Last evaluated: 2018-06-04. Review status: criteria provided, single submitter. Criteria: EGL ClinVar v180209 classification definitions. Collection method: clinical testing. Allele origin: germline. Observed: 1 variant allele, 1 heterozygote.

Ambry Genetics
Classification: Likely pathogenic for Inborn genetic diseases. Last evaluated: 2018-02-02. Review status: criteria provided, single submitter. Criteria: Ambry exome assertion method (8-5-2015). Collection method: clinical testing. Allele origin: germline. Affected: yes. Observed: 1 variant allele.

Institute of Medical Molecular Genetics, University of Zurich
Classification: Uncertain significance for Autosomal dominant Kenny-Caffey syndrome. Last evaluated: 2019-08-01. Review status: no assertion criteria provided. Collection method: research. Allele origin: de novo. Affected: yes. Observed: 1 heterozygote. Not counted in ClinVar's aggregate classification.

Clinical Genetics Laboratory, Federal University of Health Sciences of Porto Alegre
Classification: Pathogenic for Autosomal dominant Kenny-Caffey syndrome. Last evaluated: 2014-05-22. Review status: no assertion criteria provided. Collection method: research. Allele origin: de novo. Inheritance: Autosomal dominant inheritance. Affected: yes. Observed: 1 heterozygote. Segregation with disease not observed. Not counted in ClinVar's aggregate classification.

OMIM
Classification: Pathogenic for KENNY-CAFFEY SYNDROME, TYPE 2. Last evaluated: 2014-04-01. Review status: no assertion criteria provided. Collection method: literature only. Allele origin: germline. Not counted in ClinVar's aggregate classification.

ClinVar Staff, National Center for Biotechnology Information (NCBI)
Classification: Uncertain significance for Kenny-Caffey syndrome type 2. Last evaluated: 2013-06-27. Review status: no assertion criteria provided. Collection method: literature only. Allele origin: germline. Affected: yes. Not counted in ClinVar's aggregate classification.

Literature cited by the submitters: DOI 10.1016/j.ajhg.2013.04.020 (cited by Neonatal Department of Longyan Division, Tianjin Children's Hospital, Tianjin University Children's Hospital); DOI 10.1002/jbmr.2091 (cited by Neonatal Department of Longyan Division, Tianjin Children's Hospital, Tianjin University Children's Hospital); DOI 10.1111/cge.12290 (cited by Neonatal Department of Longyan Division, Tianjin Children's Hospital, Tianjin University Children's Hospital); DOI 10.1002/ajmg.a.61896 (cited by Neonatal Department of Longyan Division, Tianjin Children's Hospital, Tianjin University Children's Hospital); PubMed 23684011 (cited by 6 submitters); PubMed 23996431 (cited by 4 submitters); PubMed 24635597 (cited by 3 submitters); PubMed 24970356 (cited by 3 submitters); PubMed 32996714 (cited by Victorian Clinical Genetics Services, Murdoch Childrens Research Institute and Institute of Medical Molecular Genetics, University of Zurich); PubMed 29073591 (cited by Ambry Genetics).

NM_001312909.2(FAM111A):c.1706G>A (p.Arg569His)

Gene: FAM111A (FAM111 trypsin like peptidase A; plus strand). Cytogenetic location: 11q12.1.
Variant type: single nucleotide variant.
Coding change: c.1706G>A on transcript NM_001312909.2 (MANE Select); coding-DNA position 1706, G replaced by A.
Protein change: p.Arg569His; replaces arginine 569 with histidine.
Molecular consequence: missense variant.
Genome position (GRCh38, 1-based): chr11:59,153,374, G>A. VCF-style: chr11-59153374-G-A. GRCh37 (hg19) VCF-style: chr11-58920847-G-A.
Other names: c.1706G>A, p.Arg569His (NM_001142519.3, NM_001142520.3, NM_001142521.3 and 29 more transcripts); short protein forms R569H.
Identifiers: ClinVar variation 56810 (VCV000056810.26), dbSNP rs587777011, ClinGen allele CA344770.
Genomic context (GRCh38, chr11:59,153,374, plus strand): 5'-AAGGTTCATTGGTGGCCATGCATGCTGCTGGCTTTGCTTATACTTACCAAAATGAGACTC[G>A]TAGTATCATTGAGTTTGGCTCTACCATGGAATCCATCCTCCTTGATATTAAGCAAAGACA-3'
Protein context (NP_001299838.1, residues 559-579): GFAYTYQNET[Arg569His]SIIEFGSTME